The following is an entry in ClinVar:

ClinVar aggregate classification (germline): Uncertain significance (1 of 4 stars; one submission).

Submission:

Labcorp Genetics (formerly Invitae), Labcorp
Classification: Uncertain significance. Last evaluated: 2024-02-14. Review status: criteria provided, single submitter. Criteria: Invitae Variant Classification Sherloc (09022015). Collection method: clinical testing. Allele origin: germline.
Comment: This sequence change replaces alanine, which is neutral and non-polar, with glycine, which is neutral and non-polar, at codon 241 of the SOX18 protein (p.Ala241Gly). This variant is not present in population databases (gnomAD no frequency). This variant has not been reported in the literature in individuals affected with SOX18-related conditions. Advanced modeling of protein sequence and biophysical properties (such as structural, functional, and spatial information, amino acid conservation, physicochemical variation, residue mobility, and thermodynamic stability) performed at Invitae indicates that this missense variant is not expected to disrupt SOX18 protein function with a negative predictive value of 80%. In summary, the available evidence is currently insufficient to determine the role of this variant in disease. Therefore, it has been classified as a Variant of Uncertain Significance.

NM_018419.3(SOX18):c.722C>G (p.Ala241Gly)

Gene: SOX18 (SRY-box transcription factor 18; minus strand). Cytogenetic location: 20q13.33.
Variant type: single nucleotide variant.
Coding change: c.722C>G on transcript NM_018419.3 (MANE Select); coding-DNA position 722, C replaced by G.
Protein change: p.Ala241Gly; replaces alanine 241 with glycine.
Molecular consequence: missense variant.
Genome position (GRCh38, 1-based): chr20:64,048,599, G>C on the plus strand (C>G on the coding strand, the complement: SOX18 is on the minus strand). VCF-style: chr20-64048599-G-C. GRCh37 (hg19) VCF-style: chr20-62679952-G-C.
Other names: short protein forms A241G.
Identifiers: ClinVar variation 3639574 (VCV003639574.2).